The following is an entry in ClinVar:

ClinVar aggregate classification (germline): Uncertain significance (1 of 4 stars; one submission).

Conditions:
T-cell immunodeficiency, congenital alopecia, and nail dystrophy. Also called: Congenital alopecia and nail dystrophy associated with severe functional T-cell immunodeficiency; Pignata Guarino syndrome. Identifiers: Orphanet 169095, MedGen C1866426, MONDO:0011132, OMIM 601705.

Submission:

Labcorp Genetics (formerly Invitae), Labcorp
Classification: Uncertain significance for T-cell immunodeficiency, congenital alopecia, and nail dystrophy. Last evaluated: 2022-04-06. Review status: criteria provided, single submitter. Criteria: Invitae Variant Classification Sherloc (09022015). Collection method: clinical testing. Allele origin: germline.
Comment: This variant is not present in population databases (gnomAD no frequency). In summary, the available evidence is currently insufficient to determine the role of this variant in disease. Therefore, it has been classified as a Variant of Uncertain Significance. Algorithms developed to predict the effect of missense changes on protein structure and function (SIFT, PolyPhen-2, Align-GVGD) all suggest that this variant is likely to be tolerated. This variant has not been reported in the literature in individuals affected with FOXN1-related conditions. This sequence change replaces serine, which is neutral and polar, with threonine, which is neutral and polar, at codon 592 of the FOXN1 protein (p.Ser592Thr).

NM_001369369.1(FOXN1):c.1775G>C (p.Ser592Thr)

Gene: FOXN1 (forkhead box N1; plus strand). Cytogenetic location: 17q11.2.
Variant type: single nucleotide variant.
Coding change: c.1775G>C on transcript NM_001369369.1 (MANE Select); coding-DNA position 1775, G replaced by C.
Protein change: p.Ser592Thr; replaces serine 592 with threonine.
Molecular consequence: missense variant.
Genome position (GRCh38, 1-based): chr17:28,537,264, G>C. VCF-style: chr17-28537264-G-C. GRCh37 (hg19) VCF-style: chr17-26864282-G-C.
Other names: c.1775G>C, p.Ser592Thr (NM_003593.3); short protein forms S592T.
Identifiers: ClinVar variation 2122039 (VCV002122039.4), dbSNP rs2508443465, ClinGen allele CA398327987.